The following is an entry in ClinVar:

ClinVar aggregate classification (germline): Uncertain significance (1 of 4 stars; one submission).

Conditions:
Severe combined immunodeficiency due to DNA-PKcs deficiency. Also called: IMMUNODEFICIENCY 26 WITH NEUROLOGIC ABNORMALITIES; Immunodeficiency 26 with or without neurologic abnormalities. Identifiers: Orphanet 317425, MedGen C4014833, MONDO:0014423, OMIM 615966.

Submission:

Labcorp Genetics (formerly Invitae), Labcorp
Classification: Uncertain significance for Severe combined immunodeficiency due to DNA-PKcs deficiency. Last evaluated: 2024-02-02. Review status: criteria provided, single submitter. Criteria: Invitae Variant Classification Sherloc (09022015). Collection method: clinical testing. Allele origin: germline.
Comment: This sequence change falls in intron 27 of the PRKDC gene. It does not directly change the encoded amino acid sequence of the PRKDC protein. This variant is not present in population databases (gnomAD no frequency). This variant has not been reported in the literature in individuals affected with PRKDC-related conditions. Algorithms developed to predict the effect of sequence changes on RNA splicing suggest that this variant may create or strengthen a splice site. In summary, the available evidence is currently insufficient to determine the role of this variant in disease. Therefore, it has been classified as a Variant of Uncertain Significance.

NM_006904.7(PRKDC):c.3269+10del

Gene: PRKDC (protein kinase, DNA-activated, catalytic subunit; minus strand). Cytogenetic location: 8q11.21.
Variant type: Deletion.
Coding change: c.3269+10del on transcript NM_006904.7 (MANE Select); 10 bases into the intron after coding-DNA position 3269, one base deleted (C; older notation c.3269+10delC).
Molecular consequence: intron variant.
Genome position (GRCh38, 1-based): chr8:47,902,559, G deleted on the plus strand (C on the coding strand, the reverse complement: PRKDC is on the minus strand). VCF-style (leftmost placement, unchanged base first): chr8-47902558-AG-A. GRCh37 (hg19) VCF-style: chr8-48815118-AG-A.
Other names: c.3269+10del (NM_001081640.2).
Identifiers: ClinVar variation 3638531 (VCV003638531.2).